The following is an entry in ClinVar:

NM_173560.4(RFX6):c.2438G>C (p.Arg813Thr)

Gene: RFX6 (regulatory factor X6; plus strand). Cytogenetic location: 6q22.1.
Variant type: single nucleotide variant.
Coding change: c.2438G>C on transcript NM_173560.4 (MANE Select); coding-DNA position 2438, G replaced by C.
Protein change: p.Arg813Thr; replaces arginine 813 with threonine.
Molecular consequence: missense variant.
Genome position (GRCh38, 1-based): chr6:116,928,798, G>C. VCF-style: chr6-116928798-G-C. GRCh37 (hg19) VCF-style: chr6-117249961-G-C.
Other names: c.2438G>C (NM_173560.3); short protein forms R813T.
Identifiers: ClinVar variation 1337456 (VCV001337456.9), dbSNP rs142162854, ClinGen allele CA3973550.

ClinVar aggregate classification (germline): Conflicting classifications of pathogenicity. Review status: criteria provided, conflicting classifications (1 of 4 stars). 4 submissions from 4 submitters: Uncertain significance (2); Likely benign (1). 1 of the submissions does not count toward it. Last evaluated 2025-04-12.

Conditions:
RFX6-related disorder. Also called: RFX6-related condition.

Allele frequency attached by ClinVar (database versions not stated): gnomAD exomes 0.00004 and 0.00016; ExAC 0.00019; TOPMed 0.00065; ESP Exome Variant Server 0.00077; 1000 Genomes Project 30x 0.00016; 1000 Genomes Project 0.00020; gnomAD 0.00056 and 0.00061.
gnomAD v4.1: 137 of 1,614,000 alleles (0.0085%); highest among the groups gnomAD compares: African/African-American, 0.17%; 1 homozygote.

Submissions (4):

Labcorp Genetics (formerly Invitae), Labcorp
Classification: Likely benign. Last evaluated: 2025-04-12. Review status: criteria provided, single submitter. Criteria: Invitae Variant Classification Sherloc (09022015). Collection method: clinical testing. Allele origin: germline.

GeneDx
Classification: Uncertain significance. Last evaluated: 2024-04-17. Review status: criteria provided, single submitter. Criteria: GeneDx Variant Classification Process June 2021. Collection method: clinical testing. Allele origin: germline. Affected: yes.
Comment: In silico analysis indicates that this missense variant does not alter protein structure/function; Has not been previously published as pathogenic or benign to our knowledge

Genetic Services Laboratory, University of Chicago
Classification: Uncertain significance. Last evaluated: 2021-07-08. Review status: criteria provided, single submitter. Criteria: ACMG Guidelines, 2015. Collection method: clinical testing. Allele origin: germline. Affected: no.
Comment: DNA sequence analysis of the RFX6 gene demonstrated a sequence change, c.2438G>C, in exon 18 that results in an amino acid change, p.Arg813Thr. This sequence change has been described in the gnomAD database with a frequency of 0.24% in the African/African-American subpopulation (dbSNP rs142162854). The p.Arg813Thr change affects a highly conserved amino acid residue located in a domain of the RFX6 protein that is not known to be functional. In-silico pathogenicity prediction tools (SIFT, PolyPhen2, Align GVGD, REVEL) provide contradictory results for the p.Arg813Thr substitution. This sequence change does not appear to have been previously described in individuals with RFX6-related disorders. Due to insufficient evidences and the lack of functional studies, the clinical significance of the p.Arg813Thr change remains unknown at this time.

PreventionGenetics, part of Exact Sciences
Classification: Likely benign for RFX6-related condition. Last evaluated: 2022-02-10. Review status: no assertion criteria provided. Collection method: clinical testing. Allele origin: germline. Not counted in ClinVar's aggregate classification.
Comment: This variant is classified as likely benign based on ACMG/AMP sequence variant interpretation guidelines (Richards et al. 2015 PMID: 25741868, with internal and published modifications).